The following is an entry in ClinVar:

NM_173500.4(TTBK2):c.3445A>G (p.Arg1149Gly)

Gene: TTBK2 (tau tubulin kinase 2; minus strand). Cytogenetic location: 15q15.2.
Variant type: single nucleotide variant.
Coding change: c.3445A>G on transcript NM_173500.4 (MANE Select); coding-DNA position 3445, A replaced by G.
Protein change: p.Arg1149Gly; replaces arginine 1149 with glycine.
Molecular consequence: missense variant.
Genome position (GRCh38, 1-based): chr15:42,746,085, T>C on the plus strand (A>G on the coding strand, the complement: TTBK2 is on the minus strand). VCF-style: chr15-42746085-T-C. GRCh37 (hg19) VCF-style: chr15-43038283-T-C.
Other names: short protein forms R1149G.
Identifiers: ClinVar variation 1678708 (VCV001678708.2), dbSNP rs2140556085, ClinGen allele CA392066197.

ClinVar aggregate classification (germline): Uncertain significance (1 of 4 stars; one submission).

Submission:

GeneDx
Classification: Uncertain significance. Last evaluated: 2022-04-20. Review status: criteria provided, single submitter. Criteria: GeneDx Variant Classification Process June 2021. Collection method: clinical testing. Allele origin: germline. Affected: yes.
Comment: Not observed at significant frequency in large population cohorts (gnomAD); In silico analysis supports that this missense variant does not alter protein structure/function; Has not been previously published as pathogenic or benign to our knowledge